The following is an entry in ClinVar:

ClinVar aggregate classification (germline): Uncertain significance (1 of 4 stars; one submission).

Submission:

GeneDx
Classification: Uncertain significance. Last evaluated: 2024-03-12. Review status: criteria provided, single submitter. Criteria: GeneDx Variant Classification Process June 2021. Collection method: clinical testing. Allele origin: germline. Affected: yes.
Comment: Not observed at significant frequency in large population cohorts (gnomAD); Frameshift variant predicted to result in protein truncation or nonsense mediated decay in a gene or region of a gene for which loss of function is not a well-established mechanism of disease; Has not been previously published as pathogenic or benign to our knowledge

NM_001394062.1(MACF1):c.16348del (p.Ala5450fs)

Gene: MACF1 (microtubule actin crosslinking factor 1; plus strand). Cytogenetic location: 1p34.3.
Variant type: Deletion.
Coding change: c.16348del on transcript NM_001394062.1 (MANE Select); coding-DNA position 16348, one base deleted (G; older notation c.16348delG).
Protein change: p.Ala5450fs; shifts the reading frame from alanine 5450.
Molecular consequence: frameshift variant.
Genome position (GRCh38, 1-based): chr1:39,427,486, G deleted; the last of 2 consecutive G bases (chr1:39,427,485-39,427,486); deleting either gives the same sequence. VCF-style (leftmost placement, unchanged base first): chr1-39427484-TG-T. GRCh37 (hg19) VCF-style: chr1-39893156-TG-T.
Other names: c.4744del, p.Ala1582fs (NM_001397473.1); c.10162del, p.Ala3388fs (NM_012090.5); short protein forms A1582fs, A3388fs, A5450fs.
Identifiers: ClinVar variation 3370776 (VCV003370776.1).